The following is an entry in ClinVar:

ClinVar aggregate classification (germline): Uncertain significance (1 of 4 stars; one submission).

Conditions:
Epileptic encephalopathy. Identifiers: MedGen C0543888, HP:0200134.

Allele frequency attached by ClinVar (database versions not stated): gnomAD exomes below 0.00001; gnomAD 0.00003.
gnomAD v4.1: 7 of 1,612,628 alleles (0.00043%); highest among the groups gnomAD compares: African/African-American, 0.008%; no homozygotes.

Submission:

Labcorp Genetics (formerly Invitae), Labcorp
Classification: Uncertain significance for Epileptic encephalopathy. Last evaluated: 2021-02-17. Review status: criteria provided, single submitter. Criteria: Invitae Variant Classification Sherloc (09022015). Collection method: clinical testing. Allele origin: germline.
Comment: In summary, the available evidence is currently insufficient to determine the role of this variant in disease. Therefore, it has been classified as a Variant of Uncertain Significance. Algorithms developed to predict the effect of sequence changes on RNA splicing suggest that this variant may create or strengthen a splice site, but this prediction has not been confirmed by published transcriptional studies. Algorithms developed to predict the effect of missense changes on protein structure and function (SIFT, PolyPhen-2, Align-GVGD) all suggest that this variant is likely to be tolerated, but these predictions have not been confirmed by published functional studies and their clinical significance is uncertain. This variant has not been reported in the literature in individuals with FASN-related conditions. This variant is not present in population databases (ExAC no frequency). This sequence change replaces asparagine with lysine at codon 2100 of the FASN protein (p.Asn2100Lys). The asparagine residue is moderately conserved and there is a moderate physicochemical difference between asparagine and lysine.

NM_004104.5(FASN):c.6300C>G (p.Asn2100Lys)

Gene: FASN (fatty acid synthase; minus strand). Cytogenetic location: 17q25.3.
Variant type: single nucleotide variant.
Coding change: c.6300C>G on transcript NM_004104.5 (MANE Select); coding-DNA position 6300, C replaced by G.
Protein change: p.Asn2100Lys; replaces asparagine 2100 with lysine.
Molecular consequence: missense variant.
Genome position (GRCh38, 1-based): chr17:82,081,707, G>C on the plus strand (C>G on the coding strand, the complement: FASN is on the minus strand). VCF-style: chr17-82081707-G-C. GRCh37 (hg19) VCF-style: chr17-80039583-G-C.
Other names: short protein forms N2100K.
Identifiers: ClinVar variation 1511164 (VCV001511164.8), dbSNP rs1293906173, ClinGen allele CA401600929.